The following is an entry in ClinVar:

ClinVar aggregate classification (germline): Likely pathogenic (1 of 4 stars; one submission).

Submission:

CeGaT Center for Human Genetics Tuebingen
Classification: Likely pathogenic. Last evaluated: 2025-06-01. Review status: criteria provided, single submitter. Criteria: CeGaT Center For Human Genetics Tuebingen Variant Classification Criteria Version 2. Collection method: clinical testing. Allele origin: germline. Affected: yes. Observed: 1 variant allele.
Comment: KRT5: PM1, PM2, PM5, PP3

NM_000424.4(KRT5):c.1408T>G (p.Tyr470Asp)

Genes: KRT5 (keratin 5; minus strand), LOC126861525 (BRD4-independent group 4 enhancer GRCh37_chr12:52909857-52911056; plus strand). Cytogenetic location: 12q13.13.
Variant type: single nucleotide variant.
Coding change: c.1408T>G on transcript NM_000424.4 (MANE Select); coding-DNA position 1408, T replaced by G.
Protein change: p.Tyr470Asp; replaces tyrosine 470 with aspartic acid.
Molecular consequence: missense variant.
Genome position (GRCh38, 1-based): chr12:52,516,668, A>C on the plus strand (T>G on the coding strand, the complement: KRT5 is on the minus strand). VCF-style: chr12-52516668-A-C. GRCh37 (hg19) VCF-style: chr12-52910452-A-C.
Other names: short protein forms Y470D.
Identifiers: ClinVar variation 3906109 (VCV003906109.10).